The following is an entry in ClinVar:

ClinVar aggregate classification (germline): Conflicting classifications of pathogenicity. Review status: criteria provided, conflicting classifications (1 of 4 stars). 4 submissions from 4 submitters: Uncertain significance (1); Likely benign (3). Last evaluated 2025-03-20.

Conditions:
Hereditary cancer-predisposing syndrome. Also called: Hereditary neoplastic syndrome; Neoplastic Syndromes, Hereditary; Tumor predisposition; Hereditary Cancer Syndrome. Identifiers: Orphanet 140162, MedGen C0027672, MeSH D009386, MONDO:0015356.
Familial thoracic aortic aneurysm and aortic dissection (TAAD). Also called: Thoracic aortic aneurysms and dissections. Identifiers: Orphanet 91387, MedGen C4707243, MONDO:0019625.
Juvenile polyposis syndrome (JPS). Identifiers: Orphanet 2929, MedGen C0345893, MONDO:0017380, OMIM 174900.
Juvenile polyposis/hereditary hemorrhagic telangiectasia syndrome (JPHT). Also called: Juvenile Polyposis Syndrome / Hereditary Hemorrhagic Telangiectasia (JPS/HHT); JP/HHT SYNDROME; JUVENILE POLYPOSIS WITH HEREDITARY HEMORRHAGIC TELANGIECTASIA; POLYPOSIS, GENERALIZED JUVENILE, WITH PULMONARY ARTERIOVENOUS MALFORMATION; TELANGIECTASIA, HEREDITARY HEMORRHAGIC, WITH JUVENILE POLYPOSIS COLI. Identifiers: Orphanet 2929, MedGen C1832942, MONDO:0008278, OMIM 175050.

Allele frequency attached by ClinVar (database versions not stated): ExAC 0.00001; gnomAD exomes 0.00001.
gnomAD v4.1: 9 of 1,609,496 alleles (0.00056%); highest among the groups gnomAD compares: South Asian, 0.0011%; no homozygotes.

Submissions (4):

Myriad Genetics, Inc.
Classification: Likely benign for Juvenile polyposis/hereditary hemorrhagic telangiectasia syndrome. Last evaluated: 2025-03-20. Review status: criteria provided, single submitter. Criteria: Myriad Autosomal Dominant, Autosomal Recessive and X-Linked Classification Criteria (2023). Collection method: clinical testing. Allele origin: unknown.
Comment: This variant is considered likely benign. This variant is intronic and is not expected to impact mRNA splicing.

Labcorp Genetics (formerly Invitae), Labcorp
Classification: Likely benign for Juvenile polyposis syndrome. Last evaluated: 2025-01-01. Review status: criteria provided, single submitter. Criteria: Invitae Variant Classification Sherloc (09022015). Collection method: clinical testing. Allele origin: germline.

Ambry Genetics
Classification: Uncertain significance for Hereditary cancer-predisposing syndrome; Familial thoracic aortic aneurysm and aortic dissection. Last evaluated: 2024-12-20. Review status: criteria provided, single submitter. Criteria: Ambry Variant Classification Scheme 2023. Collection method: clinical testing. Allele origin: germline.
Comment: The c.905-3T>C intronic variant results from a T to C substitution 3 nucleotides upstream from coding exon 7 in the SMAD4 gene. This nucleotide position is not well conserved in available vertebrate species. In silico splice site analysis predicts that this alteration will not have any significant effect on splicing; however, direct evidence is insufficient at this time (Ambry internal data). Based on the available evidence, the clinical significance of this variant remains unclear.

Color Diagnostics, LLC DBA Color Health
Classification: Likely benign for Hereditary cancer-predisposing syndrome. Last evaluated: 2022-05-10. Review status: criteria provided, single submitter. Criteria: ACMG Guidelines, 2015. Collection method: clinical testing. Allele origin: germline.

NM_005359.6(SMAD4):c.905-3T>C

Gene: SMAD4 (SMAD family member 4; plus strand). Cytogenetic location: 18q21.2.
Variant type: single nucleotide variant.
Coding change: c.905-3T>C on transcript NM_005359.6 (MANE Select); 3 bases into the intron before coding-DNA position 905, T replaced by C.
Molecular consequence: intron variant.
Genome position (GRCh38, 1-based): chr18:51,059,863, T>C. VCF-style: chr18-51059863-T-C. GRCh37 (hg19) VCF-style: chr18-48586233-T-C.
Identifiers: ClinVar variation 653153 (VCV000653153.16), dbSNP rs746836038, ClinGen allele CA8965954.
Genomic context (GRCh38, chr18:51,059,863, plus strand): 5'-AAAGTTTTAGCATTAGACAACTTTTAGTAAATAAAAATGGAATTTTTGTTGTCTTTTCTT[T>C]AGGGCCTGTTCACAATGAGCTTGCATTCCAGCCTCCCATTTCCAATCATCCTGGTAAGTG-3'